The following is an entry in ClinVar:

ClinVar aggregate classification (germline): Likely benign (1 of 4 stars; one submission).

Conditions:
Arrhythmogenic right ventricular dysplasia 5. Also called: Arrhythmogenic Right Ventricular Dysplasia/Cardiomyopathy 5; ARRHYTHMOGENIC RIGHT VENTRICULAR DYSPLASIA, FAMILIAL, 5. Identifiers: MedGen C1858379, MONDO:0011459, OMIM 604400.

Allele frequency attached by ClinVar (database versions not stated): gnomAD exomes below 0.00001; TOPMed below 0.00001; gnomAD 0.00001.
gnomAD v4.1: 3 of 1,614,038 alleles (0.00019%); highest among the groups gnomAD compares: Non-Finnish European, 0.00017%; no homozygotes.

Submission:

All of Us Research Program, National Institutes of Health
Classification: Likely benign for Arrhythmogenic right ventricular dysplasia 5. Last evaluated: 2023-02-24. Review status: criteria provided, single submitter. Criteria: ACMG Guidelines, 2015. Collection method: clinical testing. Allele origin: germline. Inheritance: Autosomal dominant inheritance. Observed: 1 variant allele, 1 heterozygote.
Comment: This study involves interpretation of variants in research participants for the purpose of population health screening. Participant phenotype was not available at the time of variant classification. Additional details can be found in publication PMID: 35346344, PMCID: PMC8962531

NM_024334.3(TMEM43):c.1149C>T (p.Ala383=)

Gene: TMEM43 (transmembrane protein 43; plus strand). Cytogenetic location: 3p25.1.
Variant type: single nucleotide variant.
Coding change: c.1149C>T on transcript NM_024334.3 (MANE Select); coding-DNA position 1149, C replaced by T.
Protein change: p.Ala383=; no amino-acid change (alanine 383 retained).
Molecular consequence: synonymous variant.
Genome position (GRCh38, 1-based): chr3:14,141,741, C>T. VCF-style: chr3-14141741-C-T. GRCh37 (hg19) VCF-style: chr3-14183241-C-T.
Other names: c.1152C>T, p.Ala384= (NM_001407274.1); c.1146C>T, p.Ala382= (NM_001407275.1, NM_001407276.1); c.1143C>T, p.Ala381= (NM_001407277.1); c.1134C>T, p.Ala378= (NM_001407278.1); c.1074C>T, p.Ala358= (NM_001407279.1); c.999C>T, p.Ala333= (NM_001407280.1).
Identifiers: ClinVar variation 3075515 (VCV003075515.1), dbSNP rs1179155564, ClinGen allele CA432553059.
Genomic context (GRCh38, chr3:14,141,741, plus strand): 5'-CGTGGCGGCTGGCTGGCTCTTCTACCGACCCCTGTGGGCCCTCCTCATTGCCGGCCTGGC[C>T]CTTGTGCCCATCCTTGTTGCTCGGACACGGGTGCCAGCCAAAAAGTTGGAGTGAAAAGAC-3'
Protein context (NP_077310.1, residues 373-393): PLWALLIAGL[Ala383=]LVPILVARTR